The following is an entry in ClinVar:

NM_019032.6(ADAMTSL4):c.939C>G (p.Gly313=)

Genes: ADAMTSL4-AS2 (ADAMTSL4 antisense RNA 2; minus strand), ADAMTSL4 (ADAMTS like 4; plus strand). Cytogenetic location: 1q21.2.
Variant type: single nucleotide variant.
Coding change: c.939C>G on transcript NM_019032.6 (MANE Select); coding-DNA position 939, C replaced by G.
Protein change: p.Gly313=; no amino-acid change (glycine 313 retained).
Molecular consequence: synonymous variant.
Genome position (GRCh38, 1-based): chr1:150,553,930, C>G. VCF-style: chr1-150553930-C-G. GRCh37 (hg19) VCF-style: chr1-150526406-C-G.
Other names: c.939C>G, p.Gly313= (NM_001288607.2, NM_001288608.2, NM_001378596.1 and 1 more transcripts).
Identifiers: ClinVar variation 729083 (VCV000729083.11), dbSNP rs6681639, ClinGen allele CA1078073.

ClinVar aggregate classification (germline): Benign. Review status: criteria provided, single submitter (1 of 4 stars). 2 submissions from 2 submitters: Benign (1). 1 of the submissions does not count toward it. Last evaluated 2026-01-26.

Conditions:
ADAMTSL4-related disorder. Also called: ADAMTSL4-related condition; ADAMTSL4-Related Disorders.

Allele frequency attached by ClinVar (database versions not stated): 1000 Genomes Project 0.00100; 1000 Genomes Project 30x 0.00125.
gnomAD v4.1: 290 of 1,609,866 alleles (0.018%); highest among the groups gnomAD compares: African/African-American, 0.38%; 2 homozygotes.

Submissions (2):

Labcorp Genetics (formerly Invitae), Labcorp
Classification: Benign. Last evaluated: 2026-01-26. Review status: criteria provided, single submitter. Criteria: Invitae Variant Classification Sherloc (09022015). Collection method: clinical testing. Allele origin: germline.

PreventionGenetics, part of Exact Sciences
Classification: Likely benign for ADAMTSL4-related condition. Last evaluated: 2019-02-28. Review status: no assertion criteria provided. Collection method: clinical testing. Allele origin: germline. Not counted in ClinVar's aggregate classification.
Comment: This variant is classified as likely benign based on ACMG/AMP sequence variant interpretation guidelines (Richards et al. 2015 PMID: 25741868, with internal and published modifications).